The following is an entry in ClinVar:

ClinVar aggregate classification (germline): Conflicting classifications of pathogenicity. Review status: criteria provided, conflicting classifications (1 of 4 stars). 3 submissions from 3 submitters: Uncertain significance (1); Likely benign (2). Last evaluated 2024-07-31.

Conditions:
Hereditary cancer-predisposing syndrome. Also called: Tumor predisposition; Hereditary neoplastic syndrome; Neoplastic Syndromes, Hereditary; Hereditary Cancer Syndrome. Identifiers: Orphanet 140162, MedGen C0027672, MeSH D009386, MONDO:0015356.
Fanconi anemia, complementation group S (FANCS). Identifiers: MedGen C4554406, MONDO:0054748, OMIM 617883.
Hereditary breast ovarian cancer syndrome. Also called: BRCA1- and BRCA2-Associated Hereditary Breast and Ovarian Cancer; Breast and ovarian cancer; Hereditary breast and ovarian cancer syndrome (HBOC); Hereditary breast and ovarian cancer; Hereditary breast and ovarian cancer syndrome; Hereditary breast and/or ovarian cancer syndrome. Identifiers: Orphanet 145, MedGen C0677776, MeSH D061325, MONDO:0003582. Disease mechanism: loss of function.

Submissions (3):

Department of Pathology and Laboratory Medicine, Sinai Health System
Classification: Likely benign for Fanconi anemia, complementation group S. Last evaluated: 2024-07-31. Review status: criteria provided, single submitter. Criteria: ACMG Guidelines, 2015. Collection method: clinical testing. Allele origin: germline.

University of Washington Department of Laboratory Medicine, University of Washington
Classification: Likely benign for Hereditary cancer-predisposing syndrome. Last evaluated: 2023-03-23. Review status: criteria provided, single submitter. Criteria: Dines et al. (Genet Med. 2020). Collection method: curation. Allele origin: germline.
Comment: Missense variant in a coldspot region where missense variants are very unlikely to be pathogenic (PMID:31911673).

BRCA1 coldspot (exon 11 using historical exon numbering). Reclassification based on statistical prior probability

Labcorp Genetics (formerly Invitae), Labcorp
Classification: Uncertain significance for Hereditary breast ovarian cancer syndrome. Last evaluated: 2018-10-04. Review status: criteria provided, single submitter. Criteria: Invitae Variant Classification Sherloc (09022015). Collection method: clinical testing. Allele origin: germline.
Comment: In summary, the available evidence is currently insufficient to determine the role of this variant in disease. Therefore, it has been classified as a Variant of Uncertain Significance. Algorithms developed to predict the effect of missense changes on protein structure and function are either unavailable or do not agree on the potential impact of this missense change (SIFT: "Tolerated"; PolyPhen-2: "Probably Damaging"; Align-GVGD: "Class C0"). This variant has not been reported in the literature in individuals with BRCA1-related disease. This variant is not present in population databases (ExAC no frequency). This sequence change replaces lysine with threonine at codon 1160 of the BRCA1 protein (p.Lys1160Thr). The lysine residue is moderately conserved and there is a moderate physicochemical difference between lysine and threonine.

NM_007294.4(BRCA1):c.3479A>C (p.Lys1160Thr)

Genes: BRCA1 (BRCA1 DNA repair associated; minus strand), LOC126862571 (BRD4-independent group 4 enhancer GRCh37_chr17:41243136-41244335; plus strand). Cytogenetic location: 17q21.31.
Variant type: single nucleotide variant.
Coding change: c.3479A>C on transcript NM_007294.4 (MANE Select); coding-DNA position 3479, A replaced by C.
Protein change: p.Lys1160Thr; replaces lysine 1160 with threonine.
Molecular consequence: missense variant. On other transcripts: intron variant (135).
Genome position (GRCh38, 1-based): chr17:43,092,052, T>G on the plus strand (A>C on the coding strand, the complement: BRCA1 is on the minus strand). VCF-style: chr17-43092052-T-G. GRCh37 (hg19) VCF-style: chr17-41244069-T-G.
Other names: c.3353A>C, p.Lys1118Thr (NM_001407685.1, NM_001407686.1, NM_001407687.1 and 11 more transcripts); c.3143A>C, p.Lys1048Thr (NM_001407954.1, NM_001407955.1, NM_001407956.1 and 1 more transcripts); c.3146A>C, p.Lys1049Thr (NM_001407957.1, NM_001407946.1, NM_001407947.1 and 6 more transcripts); c.3098A>C, p.Lys1033Thr (NM_001407959.1, NM_001407960.1, NM_001407963.1); c.3338A>C, p.Lys1113Thr (NM_001407692.1, NM_007297.4, NM_001407729.1 and 29 more transcripts); c.3095A>C, p.Lys1032Thr (NM_001407962.1); c.3479A>C, p.Lys1160Thr (NM_007300.4, NM_001407581.1, NM_001407582.1 and 30 more transcripts); c.647-1020A>C (NM_001408458.1, NM_001408469.1, NM_001408453.1 and 11 more transcripts); and 41 more; short protein forms K1160T, K1113T, K1049T, K1119T, K1133T, K1134T, K864T, K1071T.
Identifiers: ClinVar variation 665681 (VCV000665681.13), dbSNP rs1597863410, ClinGen allele CA10595022.
Genomic context (GRCh38, chr17:43,092,052, plus strand): 5'-CTTTTGCTAAAAACAGCAGAACTTTCCTTAATGTCATTTTCAGCAAAACTAGTATCTTCC[T>G]TTATTTCACCATCATCTAACAGGTCATCAGGTGTCTCAGAACAAACCTGAGATGCATGAC-3'
Protein context (NP_009225.1, residues 1150-1170): PDDLLDDGEI[Lys1160Thr]EDTSFAENDI